The following is an entry in ClinVar:

NM_003970.4(MYOM2):c.783C>G (p.Leu261=)

Gene: MYOM2 (myomesin 2; plus strand). Cytogenetic location: 8p23.3.
Variant type: single nucleotide variant.
Coding change: c.783C>G on transcript NM_003970.4 (MANE Select); coding-DNA position 783, C replaced by G.
Protein change: p.Leu261=; no amino-acid change (leucine 261 retained).
Molecular consequence: synonymous variant.
Genome position (GRCh38, 1-based): chr8:2,069,487, C>G. VCF-style: chr8-2069487-C-G. GRCh37 (hg19) VCF-style: chr8-2017606-C-G.
Identifiers: ClinVar variation 3044667 (VCV003044667.2), dbSNP rs150246581, ClinGen allele CA170446511.

ClinVar aggregate classification (germline): Likely benign (0 of 4 stars; one submission).

Conditions:
MYOM2-related disorder. Also called: MYOM2-related condition.

Allele frequency attached by ClinVar (database versions not stated): gnomAD exomes below 0.00001; gnomAD 0.00003; TOPMed 0.00004; ESP Exome Variant Server 0.00008.
gnomAD v4.1: 6 of 1,614,084 alleles (0.00037%); highest among the groups gnomAD compares: African/African-American, 0.004%; no homozygotes.

Submission:

PreventionGenetics, part of Exact Sciences
Classification: Likely benign for MYOM2-related condition. Last evaluated: 2019-06-03. Review status: no assertion criteria provided. Collection method: clinical testing. Allele origin: germline.
Comment: This variant is classified as likely benign based on ACMG/AMP sequence variant interpretation guidelines (Richards et al. 2015 PMID: 25741868, with internal and published modifications).